The following is an entry in ClinVar:

ClinVar aggregate classification (germline): Uncertain significance (1 of 4 stars; one submission).

Conditions:
Nephronophthisis. Also called: Juvenile Nephronophthisis. Identifiers: Orphanet 655, MedGen C0687120, MONDO:0019005, HP:0000090.

Submission:

Labcorp Genetics (formerly Invitae), Labcorp
Classification: Uncertain significance for Nephronophthisis. Last evaluated: 2023-12-11. Review status: criteria provided, single submitter. Criteria: Invitae Variant Classification Sherloc (09022015). Collection method: clinical testing. Allele origin: germline.
Comment: This sequence change replaces arginine, which is basic and polar, with leucine, which is neutral and non-polar, at codon 322 of the NPHP4 protein (p.Arg322Leu). Information on the frequency of this variant in the gnomAD database is not available, as this variant may be reported differently in the database. This variant has not been reported in the literature in individuals affected with NPHP4-related conditions. ClinVar contains an entry for this variant (Variation ID: 2133593). An algorithm developed to predict the effect of missense changes on protein structure and function (PolyPhen-2) suggests that this variant is likely to be disruptive. In summary, the available evidence is currently insufficient to determine the role of this variant in disease. Therefore, it has been classified as a Variant of Uncertain Significance.

NM_015102.5(NPHP4):c.964_965inv (p.Arg322Leu)

Gene: NPHP4 (nephrocystin 4; minus strand). Cytogenetic location: 1p36.31.
Variant type: Inversion.
Coding change: c.964_965inv on transcript NM_015102.5 (MANE Select).
Protein change: p.Arg322Leu; replaces arginine 322 with leucine.
Molecular consequence: missense variant. On other transcripts: 5 prime UTR variant (2), non-coding transcript variant (1).
Genome position: GRCh38 VCF-style: chr1-5948097-CT-AG. GRCh37 (hg19) VCF-style: chr1-6008157-CT-AG.
Other names: c.-403_-402inv (NM_001291593.2, NM_001291594.2); short protein forms R322L.
Identifiers: ClinVar variation 2133593 (VCV002133593.3), ClinGen allele CA2580062520.